The following is an entry in ClinVar:

NM_005996.4(TBX3):c.1526G>C (p.Gly509Ala)

Gene: TBX3 (T-box transcription factor 3; minus strand). Cytogenetic location: 12q24.21.
Variant type: single nucleotide variant.
Coding change: c.1526G>C on transcript NM_005996.4 (MANE Select); coding-DNA position 1526, G replaced by C.
Protein change: p.Gly509Ala; replaces glycine 509 with alanine.
Molecular consequence: missense variant.
Genome position (GRCh38, 1-based): chr12:114,674,349, C>G on the plus strand (G>C on the coding strand, the complement: TBX3 is on the minus strand). VCF-style: chr12-114674349-C-G. GRCh37 (hg19) VCF-style: chr12-115112154-C-G.
Other names: c.1586G>C, p.Gly529Ala (NM_016569.4); c.1586G>C (NM_016569.3); short protein forms G509A, G529A.
Identifiers: ClinVar variation 1376038 (VCV001376038.7), dbSNP rs1370487115, ClinGen allele CA386868751.
Genomic context (GRCh38, chr12:114,674,349, plus strand): 5'-GCCCCAGAAACCGTGGCCAGGAGGGGACCCATGCCAGCGGCCGCCATGCTGGAGAAGGCG[C>G]CCCCCATGGCAAACTGGCTGGGGTGCAGGAAGAGCGGGTGCCCGTTGAAGAACTGTTGGC-3'
Protein context (NP_005987.3, residues 499-519): FLHPSQFAMG[Gly509Ala]AFSSMAAAGM

ClinVar aggregate classification (germline): Uncertain significance. Review status: criteria provided, multiple submitters, no conflicts (2 of 4 stars). 2 submissions from 2 submitters: Uncertain significance (2). Last evaluated 2024-10-08.

Conditions:
Ulnar-mammary syndrome (UMS). Also called: Ulnar-mammary syndrome of Pallister; PALLISTER ULNAR-MAMMARY SYNDROME; SCHINZEL SYNDROME. Identifiers: Orphanet 3138, MedGen C1866994, MONDO:0008411, OMIM 181450.
TBX3-related disorder. Also called: TBX3-related condition.

Allele frequency attached by ClinVar (database versions not stated): gnomAD 0.00001; TOPMed 0.00002.
gnomAD v4.1: 2 of 1,557,656 alleles (0.00013%); highest among the groups gnomAD compares: East Asian, 0.0024%; no homozygotes.

Submissions (2):

PreventionGenetics, part of Exact Sciences
Classification: Uncertain significance for TBX3-related condition. Last evaluated: 2024-10-08. Review status: criteria provided, single submitter. Criteria: ACMG Guidelines, 2015. Collection method: clinical testing. Allele origin: germline.
Comment: The TBX3 c.1586G>C variant is predicted to result in the amino acid substitution p.Gly529Ala. To our knowledge, this variant has not been reported in the literature. This variant is reported in 0.064% of alleles in individuals of East Asian descent in gnomAD. At this time, the clinical significance of this variant is uncertain due to the absence of conclusive functional and genetic evidence.

Labcorp Genetics (formerly Invitae), Labcorp
Classification: Uncertain significance for Ulnar-mammary syndrome. Last evaluated: 2023-08-04. Review status: criteria provided, single submitter. Criteria: Invitae Variant Classification Sherloc (09022015). Collection method: clinical testing. Allele origin: germline.
Comment: ClinVar contains an entry for this variant (Variation ID: 1376038). This variant has not been reported in the literature in individuals affected with TBX3-related conditions. This variant is present in population databases (no rsID available, gnomAD 0.06%). This sequence change replaces glycine, which is neutral and non-polar, with alanine, which is neutral and non-polar, at codon 509 of the TBX3 protein (p.Gly509Ala). In summary, the available evidence is currently insufficient to determine the role of this variant in disease. Therefore, it has been classified as a Variant of Uncertain Significance. An algorithm developed to predict the effect of missense changes on protein structure and function (PolyPhen-2) suggests that this variant is likely to be disruptive.